The following is an entry in ClinVar:

NM_000257.4(MYH7):c.2762A>C (p.Glu921Ala)

Gene: MYH7 (myosin heavy chain 7; minus strand). Cytogenetic location: 14q11.2.
Variant type: single nucleotide variant.
Coding change: c.2762A>C on transcript NM_000257.4 (MANE Select); coding-DNA position 2762, A replaced by C.
Protein change: p.Glu921Ala; replaces glutamic acid 921 with alanine.
Molecular consequence: missense variant.
Genome position (GRCh38, 1-based): chr14:23,424,067, T>G on the plus strand (A>C on the coding strand, the complement: MYH7 is on the minus strand). VCF-style: chr14-23424067-T-G. GRCh37 (hg19) VCF-style: chr14-23893276-T-G.
Other names: short protein forms E921A.
Identifiers: ClinVar variation 834192 (VCV000834192.16), dbSNP rs779467831, ClinGen allele CA034207.

ClinVar aggregate classification (germline): Conflicting classifications of pathogenicity. Review status: criteria provided, conflicting classifications (1 of 4 stars). 5 submissions from 5 submitters: Likely pathogenic (2); Uncertain significance (3). Last evaluated 2023-12-13.

Conditions:
Cardiomyopathy (CMYO). Also called: Cardiomyopathies. Identifiers: Orphanet 167848, MedGen C0878544, MONDO:0004994, HP:0001638. Inheritance: Various modes of inheritance.
MYH7-related disorder. Also called: MYH7-related disorders; MYH7-related condition; MYH7-related disease.
Cardiovascular phenotype. Identifiers: MedGen CN230736.
Hypertrophic cardiomyopathy. Also called: HYPERTROPHIC MYOCARDIOPATHY. Identifiers: Orphanet 217569, MedGen C0007194, MeSH D002312, MONDO:0005045, HP:0001639.

Allele frequency attached by ClinVar (database versions not stated): gnomAD exomes below 0.00001; ExAC 0.00001.
gnomAD v4.1: 1 of 1,614,252 alleles (0.000062%); highest among the groups gnomAD compares: Non-Finnish European, 0.000085%; no homozygotes.

Submissions (5):

All of Us Research Program, National Institutes of Health
Classification: Uncertain significance for Cardiomyopathy. Last evaluated: 2023-12-13. Review status: criteria provided, single submitter. Criteria: ACMG Guidelines, 2015. Collection method: clinical testing. Allele origin: germline. Inheritance: Autosomal dominant inheritance. Observed: 1 variant allele, 1 heterozygote.
Comment: This missense variant replaces glutamic acid with alanine at codon 921 of the MYH7 protein. This variant is found within a highly conserved region of the myosin head domain. Missense variants in this region have been shown to be significantly overrepresented in individuals with hypertrophic cardiomyopathy (PMID: 27532257). Computational prediction suggests that this variant may have deleterious impact on protein structure and function (internally defined REVEL score threshold >= 0.7, PMID: 27666373). To our knowledge, functional studies have not been reported for this variant. This variant has not been reported in individuals affected with MYH7-related disorders in the literature. This variant has been identified in 1/251484 chromosomes in the general population by the Genome Aggregation Database (gnomAD). The available evidence is insufficient to determine the role of this variant in disease conclusively. Therefore, this variant is classified as a Variant of Uncertain Significance.

This study involves interpretation of variants in research participants for the purpose of population health screening. Participant phenotype was not available at the time of variant classification. Additional details can be found in publication PMID: 35346344, PMCID: PMC8962531

Labcorp Genetics (formerly Invitae), Labcorp
Classification: Likely pathogenic for Hypertrophic cardiomyopathy. Last evaluated: 2023-11-22. Review status: criteria provided, single submitter. Criteria: Invitae Variant Classification Sherloc (09022015). Collection method: clinical testing. Allele origin: germline.
Comment: This sequence change replaces glutamic acid, which is acidic and polar, with alanine, which is neutral and non-polar, at codon 921 of the MYH7 protein (p.Glu921Ala). This variant is present in population databases (rs779467831, gnomAD 0.0009%). This variant has not been reported in the literature in individuals affected with MYH7-related conditions. ClinVar contains an entry for this variant (Variation ID: 834192). Advanced modeling of protein sequence and biophysical properties (such as structural, functional, and spatial information, amino acid conservation, physicochemical variation, residue mobility, and thermodynamic stability) performed at Invitae indicates that this missense variant is expected to disrupt MYH7 protein function with a positive predictive value of 95%. This variant disrupts the p.Glu921 amino acid residue in MYH7. Other variant(s) that disrupt this residue have been determined to be pathogenic (PMID: 15358028, 22429680, 29121657). This suggests that this residue is clinically significant, and that variants that disrupt this residue are likely to be disease-causing. In summary, the currently available evidence indicates that the variant is pathogenic, but additional data are needed to prove that conclusively. Therefore, this variant has been classified as Likely Pathogenic.

Color Diagnostics, LLC DBA Color Health
Classification: Uncertain significance for Cardiomyopathy. Last evaluated: 2023-11-08. Review status: criteria provided, single submitter. Criteria: ACMG Guidelines, 2015. Collection method: clinical testing. Allele origin: germline.
Comment: This missense variant replaces glutamic acid with alanine at codon 921 of the MYH7 protein. This variant is found within a highly conserved region of the myosin head domain. Missense variants in this region have been shown to be significantly overrepresented in individuals with hypertrophic cardiomyopathy (PMID: 27532257). Computational prediction suggests that this variant may have deleterious impact on protein structure and function (internally defined REVEL score threshold >= 0.7, PMID: 27666373). To our knowledge, functional studies have not been reported for this variant. This variant has not been reported in individuals affected with MYH7-related disorders in the literature. This variant has been identified in 1/251484 chromosomes in the general population by the Genome Aggregation Database (gnomAD). The available evidence is insufficient to determine the role of this variant in disease conclusively. Therefore, this variant is classified as a Variant of Uncertain Significance.

Ambry Genetics
Classification: Uncertain significance for Cardiovascular phenotype. Last evaluated: 2022-11-21. Review status: criteria provided, single submitter. Criteria: Ambry Variant Classification Scheme 2023. Collection method: clinical testing. Allele origin: germline.
Comment: The p.E921A variant (also known as c.2762A>C), located in coding exon 21 of the MYH7 gene, results from an A to C substitution at nucleotide position 2762. The glutamic acid at codon 921 is replaced by alanine, an amino acid with dissimilar properties. This amino acid position is highly conserved in available vertebrate species. In addition, this alteration is predicted to be deleterious by in silico analysis. Since supporting evidence is limited at this time, the clinical significance of this alteration remains unclear.

Blueprint Genetics
Classification: Likely pathogenic for MYH7-related disorders. Last evaluated: 2019-05-26. Review status: criteria provided, single submitter. Criteria: ACMG Guidelines, 2015. Collection method: clinical testing. Allele origin: germline. Affected: yes. Observed: 1 variant allele.

Literature cited by the submitters: PubMed 27532257 (cited by All of Us Research Program, National Institutes of Health and Color Diagnostics, LLC DBA Color Health); PubMed 15358028 (cited by Labcorp Genetics (formerly Invitae), Labcorp); PubMed 22429680 (cited by Labcorp Genetics (formerly Invitae), Labcorp); PubMed 29121657 (cited by Labcorp Genetics (formerly Invitae), Labcorp).